The following is an entry in ClinVar:

NC_000009.12:g.35658064_35658065insTTGTTTATAGCCCTAAAGAAATT

Gene: RMRP (RNA component of mitochondrial RNA processing endoribonuclease; minus strand). Cytogenetic location: 9p13.3.
Variant type: Insertion.
Genome position: GRCh38 VCF-style: chr9-35658044-T-TTTTATAGCCCTAAAGAAATTTTG. GRCh37 (hg19) VCF-style: chr9-35658041-T-TTTTATAGCCCTAAAGAAATTTTG.
Identifiers: ClinVar variation 2831884 (VCV002831884.3), dbSNP rs2490604636, ClinGen allele CA2739269246.

ClinVar aggregate classification (germline): Pathogenic (1 of 4 stars; one submission).

Conditions:
Anauxetic dysplasia. Identifiers: Orphanet 93347, MedGen C1846796, MONDO:0011773.

Submission:

Labcorp Genetics (formerly Invitae), Labcorp
Classification: Pathogenic for Anauxetic dysplasia. Last evaluated: 2023-01-25. Review status: criteria provided, single submitter. Criteria: Invitae Variant Classification Sherloc (09022015). Collection method: clinical testing. Allele origin: germline.
Comment: While functional studies for this variant have not been reported, experimental analyses using patient derived cells, as well as in vitro transfection studies, have shown that promoter insertions result in silencing of RMRP transcription and reduced expression of the gene product (PMID: 11207361, 16254002). While this particular variant has not been reported in the literature, it is located in the promoter region between the TATA box and the transcription initiation site, and other insertions and duplications immediately upstream of the coding sequence have been reported in individuals affected with cartilage-hair hypoplasia-anauxetic dysplasia (CHH-AD) spectrum disorders (PMID: 16244706, 11207361, 12107819). For these reasons, this variant has been classified as Pathogenic. This variant occurs in the RMRP gene, which encodes an RNA molecule that does not result in a protein product. This variant is not present in population databases (gnomAD no frequency).

Literature cited by the submitters: PubMed 11207361; PubMed 16254002; PubMed 16244706; PubMed 12107819.